The following is an entry in ClinVar:

NM_006914.4(RORB):c.1030G>C (p.Asp344His)

Gene: RORB (RAR related orphan receptor B; plus strand). Cytogenetic location: 9q21.13.
Variant type: single nucleotide variant.
Coding change: c.1030G>C on transcript NM_006914.4 (MANE Select); coding-DNA position 1030, G replaced by C.
Protein change: p.Asp344His; replaces aspartic acid 344 with histidine.
Molecular consequence: missense variant.
Genome position (GRCh38, 1-based): chr9:74,667,820, G>C. VCF-style: chr9-74667820-G-C. GRCh37 (hg19) VCF-style: chr9-77282736-G-C.
Other names: c.1063G>C, p.Asp355His (NM_001365023.1); short protein forms D355H, D344H.
Identifiers: ClinVar variation 1470353 (VCV001470353.8), dbSNP rs757356357, ClinGen allele CA5083523.

ClinVar aggregate classification (germline): Uncertain significance (1 of 4 stars; one submission).

Allele frequency attached by ClinVar (database versions not stated): gnomAD exomes below 0.00001; ExAC 0.00001.
gnomAD v4.1: 1 of 1,613,220 alleles (0.000062%); no homozygotes.

Submission:

Labcorp Genetics (formerly Invitae), Labcorp
Classification: Uncertain significance. Last evaluated: 2022-11-28. Review status: criteria provided, single submitter. Criteria: Invitae Variant Classification Sherloc (09022015). Collection method: clinical testing. Allele origin: germline.
Comment: In summary, the available evidence is currently insufficient to determine the role of this variant in disease. Therefore, it has been classified as a Variant of Uncertain Significance. Algorithms developed to predict the effect of missense changes on protein structure and function are either unavailable or do not agree on the potential impact of this missense change (SIFT: "Deleterious"; PolyPhen-2: "Possibly Damaging"; Align-GVGD: "Class C0"). ClinVar contains an entry for this variant (Variation ID: 1470353). This variant has not been reported in the literature in individuals affected with RORB-related conditions. This variant is present in population databases (rs757356357, gnomAD 0.004%). This sequence change replaces aspartic acid, which is acidic and polar, with histidine, which is basic and polar, at codon 344 of the RORB protein (p.Asp344His).